The following is an entry in ClinVar:

NM_017588.3(WDR5):c.495G>T (p.Lys165Asn)

Gene: WDR5 (WD repeat domain 5; plus strand). Cytogenetic location: 9q34.2.
Variant type: single nucleotide variant.
Coding change: c.495G>T on transcript NM_017588.3 (MANE Select); coding-DNA position 495, G replaced by T.
Protein change: p.Lys165Asn; replaces lysine 165 with asparagine.
Molecular consequence: missense variant.
Genome position (GRCh38, 1-based): chr9:134,142,686, G>T. VCF-style: chr9-134142686-G-T. GRCh37 (hg19) VCF-style: chr9-137007808-G-T.
Other names: c.495G>T, p.Lys165Asn (NM_001384409.1, NM_001384410.1, NM_001384411.1 and 6 more transcripts); c.486G>T, p.Lys162Asn (NM_001384417.1); c.366G>T, p.Lys122Asn (NM_001384418.1, NM_001384419.1); short protein forms K165N, K122N, K162N.
Identifiers: ClinVar variation 3393857 (VCV003393857.1).

ClinVar aggregate classification (germline): Uncertain significance (1 of 4 stars; one submission).

Submission:

GeneDx
Classification: Uncertain significance. Last evaluated: 2024-07-02. Review status: criteria provided, single submitter. Criteria: GeneDx Variant Classification Process June 2021. Collection method: clinical testing. Allele origin: germline. Affected: yes.
Comment: Not observed at significant frequency in large population cohorts (gnomAD); In silico analysis supports that this missense variant has a deleterious effect on protein structure/function; Has not been previously published as pathogenic or benign to our knowledge